The following is an entry in ClinVar:

ClinVar aggregate classification (germline): Conflicting classifications of pathogenicity. Review status: criteria provided, conflicting classifications (1 of 4 stars). 10 submissions from 8 submitters: Pathogenic (1); Likely pathogenic (4); Uncertain significance (2). 3 of the submissions do not count toward it. Last evaluated 2026-07-28.

Conditions:
MKS1-related disorder. Also called: MKS1-related condition; MKS1-related disorders. Identifiers: MedGen CN239382.
Joubert syndrome 28 (JBTS28). Identifiers: MedGen C4310705, MONDO:0014928, OMIM 617121.
Joubert syndrome. Also called: Familial aplasia of the vermis; JOUBERT-BOLTSHAUSER SYNDROME. Identifiers: Orphanet 475, MedGen C5979921, MONDO:0018772.
Meckel-Gruber syndrome. Also called: DYSENCEPHALIA SPLANCHNOCYSTICA; GRUBER SYNDROME; Dysencephalia splachnocystica. Identifiers: Orphanet 564, MedGen C0265215, MONDO:0018921.
Ciliopathy. Also called: Ciliopathies. Identifiers: Orphanet 363250, MedGen C4277690, MONDO:0005308, MeSH D000072661.
Meckel syndrome, type 1 (MKS1). Also called: MECKEL-GRUBER SYNDROME, TYPE 1. Identifiers: Orphanet 564, MedGen C3714506, MONDO:0009571, OMIM 249000.
Bardet-Biedl syndrome 13 (BBS13). Identifiers: Orphanet 110, MedGen C2673873, MONDO:0014441, OMIM 615990.

Allele frequency attached by ClinVar (database versions not stated): gnomAD 0.00001; TOPMed 0.00001.
gnomAD v4.1: 9 of 1,613,974 alleles (0.00056%); highest among the groups gnomAD compares: African/African-American, 0.0053%; no homozygotes.

Submissions (10):

PreventionGenetics, part of Exact Sciences
Classification: Uncertain significance for MKS1-related condition. Last evaluated: 2026-07-28. Review status: criteria provided, single submitter. Criteria: ACMG Guidelines, 2015. Collection method: clinical testing. Allele origin: germline.
Comment: The MKS1 c.1208C>T variant is predicted to result in the amino acid substitution p.Ser403Leu. This variant has been reported with an additional MKS1 variant in an individual with clinical features of Joubert syndrome (Slaats et al 2016. PubMed ID: 26490104). This variant was also reported in the heterozygous state and occurring apparently de novo in an individual from a cohort of autism spectrum disorder patients (Table S2, Iossifov et al. 2014. PubMed ID: 25363768). An in vitro experimental study using MKS1-depleted IMCD3 cells suggests this variant completely rescues ciliogenesis defects with performance equivalent to wild-type MKS1 (Slaats et al. 2016. PubMed ID: 26490104). This variant is reported in 0.0065% of alleles in individuals of African descent in gnomAD. This variant has conflicting classifications in the ClinVar database ranging from uncertain to pathogenic (Variation ID: 217672). Although we suspect that this variant may be pathogenic, at this time, the clinical significance of this variant is uncertain due to the absence of conclusive functional and genetic evidence.

Myriad Genetics, Inc.
Classification: Uncertain significance for Ciliopathy. Last evaluated: 2026-05-05. Review status: criteria provided, single submitter. Criteria: Myriad Autosomal Dominant, Autosomal Recessive and X-Linked Classification Criteria (2023). Collection method: clinical testing. Allele origin: unknown.
Comment: NM_017777.3(MKS1):c.1208C>T(S403L) is a missense variant classified as a variant of uncertain significance in the context of MKS1-related disorders. S403L has been observed in a case with relevant disease (PMID: 26490104). Relevant functional assessments of this variant are available in the literature (PMID: 26490104). S403L has been observed in referenced population frequency databases. In summary, there is insufficient evidence to classify NM_017777.3(MKS1):c.1208C>T(S403L) as pathogenic or benign. Please note: this variant was assessed in the context of healthy population screening.

Women's Health and Genetics/Laboratory Corporation of America, LabCorp
Classification: Likely pathogenic for Meckel syndrome, type 1. Last evaluated: 2025-09-18. Review status: criteria provided, single submitter. Criteria: LabCorp Variant Classification Summary - May 2015. Collection method: clinical testing. Allele origin: germline.
Comment: Variant summary: MKS1 c.1208C>T (p.Ser403Leu) results in a non-conservative amino acid change in the encoded protein sequence. Algorithms developed to predict the effect of missense changes on protein structure and function all suggest that this variant is likely to be disruptive. The variant allele was found at a frequency of 8e-06 in 249294 control chromosomes. c.1208C>T has been observed in individual(s) affected with Joubert syndrome (Slaats_2016, Bachmann-Gagescu_2015, Summers_2017, Brooks_2018), in addition, the variant was also reported as de novo variant in heterozygous state in a patient affected with autism spectrum disorder (ASD) (e.g. Iossifov_2014, Koire_2021). These data do not allow any conclusion about variant significance. One publication reported experimental evidence evaluating an impact on protein function, and demonstrated decreased cilium number and increased length in primary skin fibroblasts from an affected individual (Slaats_2016), however the variant protein was able to completely rescue ciliation defects in an MKS1-knockdown cell line (Slaats_2016). The following publications have been ascertained in the context of this evaluation (PMID: 26092869, 30055837, 31964843, 25363768, 34011629, 26490104, 28497568). ClinVar contains an entry for this variant (Variation ID: 217672). Based on the evidence outlined above, the variant was classified as likely pathogenic.

Baylor Genetics
Classification: Likely pathogenic for Bardet-Biedl syndrome 13. Last evaluated: 2024-01-28. Review status: criteria provided, single submitter. Criteria: ACMG Guidelines, 2015. Collection method: clinical testing. Allele origin: unknown.

Labcorp Genetics (formerly Invitae), Labcorp
Classification: Likely pathogenic for Joubert syndrome; Meckel-Gruber syndrome. Last evaluated: 2023-11-07. Review status: criteria provided, single submitter. Criteria: Invitae Variant Classification Sherloc (09022015). Collection method: clinical testing. Allele origin: germline.
Comment: This sequence change replaces serine, which is neutral and polar, with leucine, which is neutral and non-polar, at codon 403 of the MKS1 protein (p.Ser403Leu). This variant is present in population databases (no rsID available, gnomAD 0.007%). This missense change has been observed in individual(s) with Joubert syndrome (PMID: 26490104, 28497568). ClinVar contains an entry for this variant (Variation ID: 217672). Advanced modeling of protein sequence and biophysical properties (such as structural, functional, and spatial information, amino acid conservation, physicochemical variation, residue mobility, and thermodynamic stability) performed at Invitae indicates that this missense variant is expected to disrupt MKS1 protein function with a positive predictive value of 80%. In summary, the currently available evidence indicates that the variant is pathogenic, but additional data are needed to prove that conclusively. Therefore, this variant has been classified as Likely Pathogenic.

GeneDx
Classification: Likely pathogenic. Last evaluated: 2019-06-12. Review status: criteria provided, single submitter. Criteria: GeneDx Variant Classification Process June 2021. Collection method: clinical testing. Allele origin: germline. Affected: yes.
Comment: In silico analysis, which includes protein predictors and evolutionary conservation, supports a deleterious effect; This variant is associated with the following publications: (PMID: 26490104, 25363768, 26092869, 28714951)

UW Hindbrain Malformation Research Program, University of Washington
Classification: Pathogenic for Joubert syndrome. Last evaluated: 2015-02-23. Review status: criteria provided, single submitter. Criteria: Bachmann-Gagescu et al. (J Med Genet. 2015). Collection method: research. Allele origin: unknown. Affected: yes.

Counsyl
Classification: Uncertain significance for Meckel syndrome, type 1. Last evaluated: 2018-03-28. Review status: no assertion criteria provided. Collection method: clinical testing. Allele origin: unknown. Not counted in ClinVar's aggregate classification.

Counsyl
Classification: Uncertain significance for Bardet-Biedl syndrome 13. Last evaluated: 2018-03-28. Review status: no assertion criteria provided. Collection method: clinical testing. Allele origin: unknown. Not counted in ClinVar's aggregate classification.

Counsyl
Classification: Uncertain significance for Joubert syndrome 28. Last evaluated: 2018-03-28. Review status: no assertion criteria provided. Collection method: clinical testing. Allele origin: unknown. Not counted in ClinVar's aggregate classification.

Literature cited by the submitters: PubMed 26490104 (cited by 4 submitters); PubMed 26092869 (cited by Women's Health and Genetics/Laboratory Corporation of America, LabCorp); PubMed 28497568 (cited by Women's Health and Genetics/Laboratory Corporation of America, LabCorp and Labcorp Genetics (formerly Invitae), Labcorp); PubMed 25363768 (cited by Women's Health and Genetics/Laboratory Corporation of America, LabCorp); PubMed 30055837 (cited by Women's Health and Genetics/Laboratory Corporation of America, LabCorp); PubMed 34011629 (cited by Women's Health and Genetics/Laboratory Corporation of America, LabCorp); PubMed 31964843 (cited by Women's Health and Genetics/Laboratory Corporation of America, LabCorp).

NM_017777.4(MKS1):c.1208C>T (p.Ser403Leu)

Gene: MKS1 (MKS transition zone complex subunit 1; minus strand). Cytogenetic location: 17q22.
Variant type: single nucleotide variant.
Coding change: c.1208C>T on transcript NM_017777.4 (MANE Select); coding-DNA position 1208, C replaced by T.
Protein change: p.Ser403Leu; replaces serine 403 with leucine.
Molecular consequence: missense variant.
Genome position (GRCh38, 1-based): chr17:58,207,959, G>A on the plus strand (C>T on the coding strand, the complement: MKS1 is on the minus strand). VCF-style: chr17-58207959-G-A. GRCh37 (hg19) VCF-style: chr17-56285320-G-A.
Other names: c.599C>T, p.Ser200Leu (NM_001321268.2); c.1208C>T, p.Ser403Leu (NM_001321269.2, NM_001330397.2); short protein forms S403L, S200L.
Identifiers: ClinVar variation 217672 (VCV000217672.20), dbSNP rs773684291, ClinGen allele CA210326.